The following is an entry in ClinVar:

NM_015352.2(POFUT1):c.246+4A>T

Gene: POFUT1 (protein O-fucosyltransferase 1; plus strand). Cytogenetic location: 20q11.21.
Variant type: single nucleotide variant.
Coding change: c.246+4A>T on transcript NM_015352.2 (MANE Select); 4 bases into the intron after coding-DNA position 246, A replaced by T.
Molecular consequence: intron variant.
Genome position (GRCh38, 1-based): chr20:32,210,196, A>T. VCF-style: chr20-32210196-A-T. GRCh37 (hg19) VCF-style: chr20-30797999-A-T.
Other names: c.246+4A>T (NM_172236.2).
Identifiers: ClinVar variation 2581895 (VCV002581895.2), dbSNP rs2516174217, ClinGen allele CA2582342723.

ClinVar aggregate classification (germline): Uncertain significance (1 of 4 stars; one submission).

Submission:

GeneDx
Classification: Uncertain significance. Last evaluated: 2024-11-01. Review status: criteria provided, single submitter. Criteria: GeneDx Variant Classification Process June 2021. Collection method: clinical testing. Allele origin: germline. Affected: yes.
Comment: Not observed at significant frequency in large population cohorts (gnomAD); In silico analysis supports a deleterious effect on splicing; Has not been previously published as pathogenic or benign to our knowledge